The following is an entry in ClinVar:

ClinVar aggregate classification (germline): Uncertain significance. Review status: criteria provided, multiple submitters, no conflicts (2 of 4 stars). 3 submissions from 3 submitters: Uncertain significance (3). Last evaluated 2025-12-06.

Conditions:
Inborn genetic diseases. Identifiers: MedGen C0950123, MeSH D030342.
Joubert syndrome. Also called: Familial aplasia of the vermis; JOUBERT-BOLTSHAUSER SYNDROME. Identifiers: Orphanet 475, MedGen C5979921, MONDO:0018772.
Meckel-Gruber syndrome. Also called: GRUBER SYNDROME; DYSENCEPHALIA SPLANCHNOCYSTICA; Dysencephalia splachnocystica. Identifiers: Orphanet 564, MedGen C0265215, MONDO:0018921.

Allele frequency attached by ClinVar (database versions not stated): gnomAD exomes 0.00014 and 0.00019; TOPMed 0.00016; gnomAD 0.00021; ExAC 0.00022; ESP Exome Variant Server 0.00024.
gnomAD v4.1: 234 of 1,614,028 alleles (0.014%); highest among the groups gnomAD compares: Middle Eastern, 0.049%; 1 homozygote.

Submissions (3):

Labcorp Genetics (formerly Invitae), Labcorp
Classification: Uncertain significance for Joubert syndrome; Meckel-Gruber syndrome. Last evaluated: 2025-12-06. Review status: criteria provided, single submitter. Criteria: Invitae Variant Classification Sherloc (09022015). Collection method: clinical testing. Allele origin: germline.
Comment: This sequence change replaces threonine, which is neutral and polar, with methionine, which is neutral and non-polar, at codon 297 of the TCTN1 protein (p.Thr297Met). This variant is present in population databases (rs200460700, gnomAD 0.03%). This variant has not been reported in the literature in individuals affected with TCTN1-related conditions. ClinVar contains an entry for this variant (Variation ID: 220125). Invitae Evidence Modeling of protein sequence and biophysical properties (such as structural, functional, and spatial information, amino acid conservation, physicochemical variation, residue mobility, and thermodynamic stability) indicates that this missense variant is expected to disrupt TCTN1 protein function with a positive predictive value of 80%. In summary, the available evidence is currently insufficient to determine the role of this variant in disease. Therefore, it has been classified as a Variant of Uncertain Significance.

Blueprint Genetics
Classification: Uncertain significance. Last evaluated: 2024-11-20. Review status: criteria provided, single submitter. Criteria: ACMG Guidelines, 2015. Collection method: clinical testing. Allele origin: germline.

Ambry Genetics
Classification: Uncertain significance for Inborn genetic diseases. Last evaluated: 2021-07-09. Review status: criteria provided, single submitter. Criteria: Ambry Variant Classification Scheme 2023. Collection method: clinical testing. Allele origin: germline.

NM_001082538.3(TCTN1):c.890C>T (p.Thr297Met)

Gene: TCTN1 (tectonic family member 1; plus strand). Cytogenetic location: 12q24.11.
Variant type: single nucleotide variant.
Coding change: c.890C>T on transcript NM_001082538.3 (MANE Select); coding-DNA position 890, C replaced by T.
Protein change: p.Thr297Met; replaces threonine 297 with methionine.
Molecular consequence: missense variant. On other transcripts: non-coding transcript variant (1).
Genome position (GRCh38, 1-based): chr12:110,640,429, C>T. VCF-style: chr12-110640429-C-T. GRCh37 (hg19) VCF-style: chr12-111078234-C-T.
Other names: c.890C>T, p.Thr297Met (NM_001082537.3, NM_001319680.2); c.722C>T, p.Thr241Met (NM_001173975.3); c.710C>T, p.Thr237Met (NM_001173976.2); c.356C>T, p.Thr119Met (NM_001319681.2); c.848C>T, p.Thr283Met (NM_024549.6); short protein forms T283M, T297M, T241M, T119M, T237M.
Identifiers: ClinVar variation 220125 (VCV000220125.9), dbSNP rs200460700, ClinGen allele CA348806.
Genomic context (GRCh38, chr12:110,640,429, plus strand): 5'-TCTTCACTCTGCAGGTCCCTATCACTGTTCAGTCCATCGTCATTCAGTCTCTAAATAAAA[C>T]GCTCACCCGACGGGAGGACACTGATGTGCTGCAGCCGACTCTCGTCAACGCTGGACACTT-3'
Protein context (NP_001076007.1, residues 287-307): QSIVIQSLNK[Thr297Met]LTRREDTDVL